The following is an entry in ClinVar:

NM_002354.3(EPCAM):c.640T>C (p.Tyr214His)

Gene: EPCAM (epithelial cell adhesion molecule; plus strand). Cytogenetic location: 2p21.
Variant type: single nucleotide variant.
Coding change: c.640T>C on transcript NM_002354.3 (MANE Select); coding-DNA position 640, T replaced by C.
Protein change: p.Tyr214His; replaces tyrosine 214 with histidine.
Molecular consequence: missense variant.
Genome position (GRCh38, 1-based): chr2:47,379,037, T>C. VCF-style: chr2-47379037-T-C. GRCh37 (hg19) VCF-style: chr2-47606176-T-C.
Other names: short protein forms Y214H.
Identifiers: ClinVar variation 1753383 (VCV001753383.3), dbSNP rs2465471161, ClinGen allele CA346724265.

ClinVar aggregate classification (germline): Uncertain significance (1 of 4 stars; one submission).

Conditions:
Hereditary cancer-predisposing syndrome. Also called: Neoplastic Syndromes, Hereditary; Tumor predisposition; Hereditary Cancer Syndrome; Hereditary neoplastic syndrome. Identifiers: Orphanet 140162, MedGen C0027672, MeSH D009386, MONDO:0015356.

Submission:

Ambry Genetics
Classification: Uncertain significance for Hereditary cancer-predisposing syndrome. Last evaluated: 2025-11-08. Review status: criteria provided, single submitter. Criteria: Ambry Variant Classification Scheme 2023. Collection method: clinical testing. Allele origin: germline.
Comment: The p.Y214H variant (also known as c.640T>C), located in coding exon 6 of the EPCAM gene, results from a T to C substitution at nucleotide position 640. The tyrosine at codon 214 is replaced by histidine, an amino acid with similar properties. This amino acid position is conserved. In addition, this alteration is predicted to be deleterious by in silico analysis. Since supporting evidence is limited at this time, the clinical significance of this alteration remains unclear.